The following is an entry in ClinVar:

ClinVar aggregate classification (germline): Pathogenic/Likely pathogenic. Review status: criteria provided, multiple submitters, no conflicts (2 of 4 stars). 3 submissions from 3 submitters: Pathogenic (2); Likely pathogenic (1). Last evaluated 2026-05-15.

Conditions:
Polycystic kidney disease, adult type (PKD1). Also called: Polycystic Kidney, Autosomal Dominant; POLYCYSTIC KIDNEY DISEASE, ADULT, TYPE I; Polycystic Kidney Disease 1, Autosomal Dominant; Polycystic kidney disease 1; Polycystic kidney disease 1, severe; POLYCYSTIC KIDNEY DISEASE 1 WITH OR WITHOUT POLYCYSTIC LIVER DISEASE. Identifiers: MedGen C3149841, MONDO:0008263, OMIM 173900.

Allele frequency attached by ClinVar (database versions not stated): gnomAD 0.00001; TOPMed below 0.00001.

Submissions (3):

Women's Health and Genetics/Laboratory Corporation of America, LabCorp
Classification: Pathogenic for Polycystic kidney disease, adult type. Last evaluated: 2026-05-15. Review status: criteria provided, single submitter. Criteria: LabCorp Variant Classification Summary - May 2015. Collection method: clinical testing. Allele origin: germline.
Comment: Variant summary: PKD1 c.11338_11345dupGATTACGA (p.Asp3782GlufsX47) results in a premature termination codon, predicted to cause a truncation of the encoded protein or absence of the protein due to nonsense mediated decay, which are commonly known mechanisms for disease. The variant was absent in 249620 control chromosomes. c.11338_11345dupGATTACGA has been observed in at least one individual affected with Polycystic Kidney Disease 1 (example: Stekrova_2009). To our knowledge, no experimental evidence demonstrating an impact on protein function has been reported. The following publication has been ascertained in the context of this evaluation (PMID: 19686598). ClinVar contains an entry for this variant (Variation ID: 1179206). Based on the evidence outlined above, the variant was classified as pathogenic.

GeneDx
Classification: Pathogenic. Last evaluated: 2024-07-11. Review status: criteria provided, single submitter. Criteria: GeneDx Variant Classification Process June 2021. Collection method: clinical testing. Allele origin: germline. Affected: yes.
Comment: Frameshift variant predicted to result in protein truncation or nonsense mediated decay in a gene for which loss of function is a known mechanism of disease; Not observed at significant frequency in large population cohorts (gnomAD); This variant is associated with the following publications: (PMID: 35325889, 19686598)

Fulgent Genetics
Classification: Likely pathogenic for Polycystic kidney disease, adult type. Last evaluated: 2021-06-30. Review status: criteria provided, single submitter. Criteria: ACMG Guidelines, 2015. Collection method: clinical testing. Allele origin: unknown.
Comment: This variant has been detected in individual(s) who were sent for testing of Renasight - kidney gene panel.

Literature cited by the submitters: PubMed 19686598 (cited by Women's Health and Genetics/Laboratory Corporation of America, LabCorp).

NM_001009944.3(PKD1):c.11338_11345dup (p.Asp3782fs)

Genes: PKD1 (polycystin 1, transient receptor potential channel interacting; minus strand), PKD1-AS1 (PKD1 antisense RNA 1; plus strand). Cytogenetic location: 16p13.3.
Variant type: Duplication.
Coding change: c.11338_11345dup on transcript NM_001009944.3 (MANE Select); coding-DNA positions 11338 to 11345, 8 bases duplicated (GATTACGA; older notation c.11338_11345dupGATTACGA).
Protein change: p.Asp3782fs; shifts the reading frame from aspartic acid 3782.
Molecular consequence: frameshift variant.
Genome position (GRCh38, 1-based): chr16:2,092,113-2,092,120, TCGTAATC duplicated on the plus strand (GATTACGA on the coding strand, the reverse complement: PKD1 is on the minus strand). VCF-style (leftmost placement, unchanged base first): chr16-2092112-G-GTCGTAATC. GRCh37 (hg19) VCF-style: chr16-2142113-G-GTCGTAATC.
Other names: c.11335_11342dup, p.Asp3781fs (NM_000296.4); c.11338_11345dupGATTACGA (NM_001009944.3); short protein forms D3781fs, D3782fs.
Identifiers: ClinVar variation 1179206 (VCV001179206.4), dbSNP rs2091618729, ClinGen allele CA973765842.